The following is an entry in ClinVar:

ClinVar aggregate classification (germline): Uncertain significance (1 of 4 stars; one submission).

Submission:

Dasa
Classification: Uncertain significance. Last evaluated: 2025-03-12. Review status: criteria provided, single submitter. Criteria: DASA Assertion Criteria. Collection method: clinical testing. Allele origin: germline.
Comment: NM_001204.7(BMPR2):c.1931A>G (p.Asn644Ser) is a missense variant that results in the substitution of asparagine with serine. This variant is absent from population databases. Computational prediction algorithms are consistent with a benign effect. The currently available literature and clinical evidence are not sufficient to establish a definitive association between this variant and the reported condition. Therefore, this variant is classified as a variant of uncertain significance.

NM_001204.7(BMPR2):c.1931A>G (p.Asn644Ser)

Gene: BMPR2 (bone morphogenetic protein receptor type 2; plus strand). Cytogenetic location: 2q33.2.
Variant type: single nucleotide variant.
Coding change: c.1931A>G on transcript NM_001204.7 (MANE Select); coding-DNA position 1931, A replaced by G.
Protein change: p.Asn644Ser; replaces asparagine 644 with serine.
Molecular consequence: missense variant.
Genome position (GRCh38, 1-based): chr2:202,555,596, A>G. VCF-style: chr2-202555596-A-G. GRCh37 (hg19) VCF-style: chr2-203420319-A-G.
Other names: short protein forms N644S.
Identifiers: ClinVar variation 4881966 (VCV004881966.2).